The following is an entry in ClinVar:

ClinVar aggregate classification (germline): Conflicting classifications of pathogenicity. Review status: criteria provided, conflicting classifications (1 of 4 stars). 3 submissions from 3 submitters: Uncertain significance (1); Likely benign (1). 1 of the submissions does not count toward it. Last evaluated 2025-06-12.

Conditions:
LPIN1-related disorder. Also called: LPIN1-related condition.
Myoglobinuria, acute recurrent, autosomal recessive. Also called: MYOGLOBINURIA, FAMILIAL PAROXYSMAL PARALYTIC; RHABDOMYOLYSIS, ACUTE RECURRENT; Myoglobinuria, recurrent, autosomal recessive. Identifiers: Orphanet 99845, MedGen C1849386, MONDO:0009992, OMIM 268200.

Allele frequency attached by ClinVar (database versions not stated): gnomAD exomes 0.00005 and 0.00007; gnomAD 0.00006 and 0.00010; ESP Exome Variant Server 0.00008; ExAC 0.00010; TOPMed 0.00010; 1000 Genomes Project 0.00040; 1000 Genomes Project 30x 0.00047.
gnomAD v4.1: 96 of 1,614,132 alleles (0.0059%); highest among the groups gnomAD compares: East Asian, 0.085%; no homozygotes.

Submissions (3):

Labcorp Genetics (formerly Invitae), Labcorp
Classification: Likely benign. Last evaluated: 2025-06-12. Review status: criteria provided, single submitter. Criteria: Invitae Variant Classification Sherloc (09022015). Collection method: clinical testing. Allele origin: germline.

Illumina Laboratory Services, Illumina
Classification: Uncertain significance for Myoglobinuria, acute recurrent, autosomal recessive. Last evaluated: 2018-01-12. Review status: criteria provided, single submitter. Criteria: ICSL Variant Classification Criteria 13 December 2019. Collection method: clinical testing. Allele origin: germline.

PreventionGenetics, part of Exact Sciences
Classification: Likely benign for LPIN1-related condition. Last evaluated: 2022-03-11. Review status: no assertion criteria provided. Collection method: clinical testing. Allele origin: germline. Not counted in ClinVar's aggregate classification.
Comment: This variant is classified as likely benign based on ACMG/AMP sequence variant interpretation guidelines (Richards et al. 2015 PMID: 25741868, with internal and published modifications).

NM_001349206.2(LPIN1):c.72C>T (p.Pro24=)

Gene: LPIN1 (lipin 1; plus strand). Cytogenetic location: 2p25.1.
Variant type: single nucleotide variant.
Coding change: c.72C>T on transcript NM_001349206.2 (MANE Select); coding-DNA position 72, C replaced by T.
Protein change: p.Pro24=; no amino-acid change (proline 24 retained).
Molecular consequence: synonymous variant. On other transcripts: non-coding transcript variant (1).
Genome position (GRCh38, 1-based): chr2:11,765,613, C>T. VCF-style: chr2-11765613-C-T. GRCh37 (hg19) VCF-style: chr2-11905739-C-T.
Other names: c.90C>T, p.Pro30= (NM_001261427.3); c.219C>T, p.Pro73= (NM_001261428.3, NM_001349208.2); c.72C>T, p.Pro24= (NM_001349199.2, NM_001349200.2, NM_001349201.2 and 5 more transcripts); c.162C>T, p.Pro54= (NM_001349207.2).
Identifiers: ClinVar variation 330901 (VCV000330901.14), dbSNP rs137942440, ClinGen allele CA1533330.